The following is an entry in ClinVar:

ClinVar aggregate classification (germline): Uncertain significance. Review status: criteria provided, multiple submitters, no conflicts (2 of 4 stars). 2 submissions from 2 submitters: Uncertain significance (2). Last evaluated 2024-03-18.

Conditions:
Hereditary cancer-predisposing syndrome. Also called: Tumor predisposition; Neoplastic Syndromes, Hereditary; Hereditary Cancer Syndrome; Hereditary neoplastic syndrome. Identifiers: Orphanet 140162, MedGen C0027672, MeSH D009386, MONDO:0015356.
POLD1-related polyposis and colorectal cancer syndrome (CRCS10). Also called: Colorectal cancer 10; COLORECTAL CANCER, SUSCEPTIBILITY TO, ON CHROMOSOME 19q; Colorectal cancer, susceptibility to, 10. Identifiers: Orphanet 220460, MedGen C2675481, MONDO:0012953, OMIM 612591.

Submissions (2):

Labcorp Genetics (formerly Invitae), Labcorp
Classification: Uncertain significance for POLD1-related polyposis and colorectal cancer syndrome. Last evaluated: 2024-03-18. Review status: criteria provided, single submitter. Criteria: Invitae Variant Classification Sherloc (09022015). Collection method: clinical testing. Allele origin: germline.
Comment: This sequence change replaces arginine, which is basic and polar, with serine, which is neutral and polar, at codon 906 of the POLD1 protein (p.Arg906Ser). This variant is not present in population databases (gnomAD no frequency). This variant has not been reported in the literature in individuals affected with POLD1-related conditions. ClinVar contains an entry for this variant (Variation ID: 537080). An algorithm developed to predict the effect of missense changes on protein structure and function (PolyPhen-2) suggests that this variant is likely to be disruptive. In summary, the available evidence is currently insufficient to determine the role of this variant in disease. Therefore, it has been classified as a Variant of Uncertain Significance.

Ambry Genetics
Classification: Uncertain significance for Hereditary cancer-predisposing syndrome. Last evaluated: 2023-09-28. Review status: criteria provided, single submitter. Criteria: Ambry Variant Classification Scheme 2023. Collection method: clinical testing. Allele origin: germline.
Comment: The p.R906S variant (also known as c.2718G>T) is located in coding exon 21 of the POLD1 gene. The arginine at codon 906 is replaced by serine, an amino acid with dissimilar properties. This change occurs in the first base pair of coding exon 21. This amino acid position is conserved. In addition, the in silico prediction for this alteration is inconclusive. Since supporting evidence is limited at this time, the clinical significance of this alteration remains unclear.

NM_002691.4(POLD1):c.2718G>T (p.Arg906Ser)

Gene: POLD1 (DNA polymerase delta 1, catalytic subunit; plus strand). Cytogenetic location: 19q13.33.
Variant type: single nucleotide variant.
Coding change: c.2718G>T on transcript NM_002691.4 (MANE Select); coding-DNA position 2718, G replaced by T.
Protein change: p.Arg906Ser; replaces arginine 906 with serine.
Molecular consequence: missense variant.
Genome position (GRCh38, 1-based): chr19:50,415,724, G>T. VCF-style: chr19-50415724-G-T. GRCh37 (hg19) VCF-style: chr19-50918981-G-T.
Other names: c.2718G>T, p.Arg906Ser (NM_001256849.1, LRG_785t1); c.2796G>T, p.Arg932Ser (NM_001308632.1, LRG_785t2); c.2718G>T (NM_002691.2); short protein forms R906S, R932S.
Identifiers: ClinVar variation 537080 (VCV000537080.9), dbSNP rs1555793133, ClinGen allele CA406985792.